The following is an entry in ClinVar:

ClinVar aggregate classification (germline): Conflicting classifications of pathogenicity. Review status: criteria provided, conflicting classifications (1 of 4 stars). 9 submissions from 9 submitters: Uncertain significance (4); Likely benign (3). 2 of the submissions do not count toward it. Last evaluated 2025-03-04.

Conditions:
Hereditary breast ovarian cancer syndrome. Also called: BRCA1- and BRCA2-Associated Hereditary Breast and Ovarian Cancer; Hereditary breast and ovarian cancer syndrome; Hereditary breast and ovarian cancer syndrome (HBOC); Breast and ovarian cancer; Hereditary breast and/or ovarian cancer syndrome; Hereditary breast and ovarian cancer. Identifiers: Orphanet 145, MedGen C0677776, MeSH D061325, MONDO:0003582. Disease mechanism: loss of function.
Breast-ovarian cancer, familial, susceptibility to, 1 (BROVCA1). Also called: BRCA1 Hereditary Breast and Ovarian Cancer; OVARIAN CANCER, SUSCEPTIBILITY TO. Identifiers: Orphanet 145, MedGen C2676676, MONDO:0011450, OMIM 604370. Disease mechanism: loss of function.
Hereditary cancer-predisposing syndrome. Also called: Hereditary Cancer Syndrome; Hereditary neoplastic syndrome; Neoplastic Syndromes, Hereditary; Tumor predisposition. Identifiers: Orphanet 140162, MedGen C0027672, MeSH D009386, MONDO:0015356.

Allele frequency attached by ClinVar (database versions not stated): gnomAD exomes below 0.00001 and 0.00001; gnomAD 0.00001.
gnomAD v4.1: 6 of 1,613,914 alleles (0.00037%); highest among the groups gnomAD compares: Admixed American, 0.0017%; no homozygotes.

Submissions (9):

Center for Genomic Medicine, Rigshospitalet, Copenhagen University Hospital
Classification: Likely benign. Last evaluated: 2025-03-04. Review status: criteria provided, single submitter. Criteria: ACMG Guidelines, 2015. Collection method: clinical testing. Allele origin: germline.

Labcorp Genetics (formerly Invitae), Labcorp
Classification: Uncertain significance for Hereditary breast ovarian cancer syndrome. Last evaluated: 2024-10-27. Review status: criteria provided, single submitter. Criteria: Invitae Variant Classification Sherloc (09022015). Collection method: clinical testing. Allele origin: germline.
Comment: This sequence change replaces threonine, which is neutral and polar, with methionine, which is neutral and non-polar, at codon 1548 of the BRCA1 protein (p.Thr1548Met). This variant is present in population databases (rs273900737, gnomAD 0.003%). This variant has not been reported in the literature in individuals affected with BRCA1-related conditions. ClinVar contains an entry for this variant (Variation ID: 55249). Invitae Evidence Modeling of protein sequence and biophysical properties (such as structural, functional, and spatial information, amino acid conservation, physicochemical variation, residue mobility, and thermodynamic stability) indicates that this missense variant is not expected to disrupt BRCA1 protein function with a negative predictive value of 95%. Experimental studies have shown that this missense change does not substantially affect BRCA1 function (PMID: 28781887, 30765603). In summary, the available evidence is currently insufficient to determine the role of this variant in disease. Therefore, it has been classified as a Variant of Uncertain Significance.

Color Diagnostics, LLC DBA Color Health
Classification: Likely benign for Hereditary cancer-predisposing syndrome. Last evaluated: 2024-09-17. Review status: criteria provided, single submitter. Criteria: ACMG Guidelines, 2015. Collection method: clinical testing. Allele origin: germline.

KCCC/NGS Laboratory, Kuwait Cancer Control Center
Classification: Uncertain significance for Breast-ovarian cancer, familial, susceptibility to, 1. Last evaluated: 2024-04-03. Review status: criteria provided, single submitter. Criteria: ACMG Guidelines, 2015. Collection method: clinical testing. Allele origin: germline. Inheritance: Autosomal dominant inheritance. Affected: yes. Observed: 1 heterozygote.
Comment: a variant of uncertain significance was detected in the BRCA1 gene (c.4706C>T) results in a non-conservative amino acid change in the encoded protein sequence. This variant is present in population databases (rs273900737, gnomAD 0.003%). This variant has not been reported in the literature in individuals affected with BRCA1-related conditions. ClinVar contains an entry for this variant (Variation ID: 55249) by five clinical diagnostic laboratories have submitted clinical-significance assessments for this variant to ClinVar after 2014 without evidence for independent evaluation. In-silico tools predict a benign effect of the variant on protein function. In summary, the available evidence is currently insufficient to determine the role of this variant in disease. Therefore, it has been classified as a Variant of Uncertain Significance.

Women's Health and Genetics/Laboratory Corporation of America, LabCorp
Classification: Uncertain significance. Last evaluated: 2022-10-31. Review status: criteria provided, single submitter. Criteria: LabCorp Variant Classification Summary - May 2015. Collection method: clinical testing. Allele origin: germline.
Comment: Variant summary: BRCA1 c.4643C>T (p.Thr1548Met) results in a non-conservative amino acid change in the encoded protein sequence. Four of five in-silico tools predict a benign effect of the variant on protein function. The variant allele was found at a frequency of 8e-06 in 251282 control chromosomes. The available data on variant occurrences in the general population are insufficient to allow any conclusion about variant significance. c.4643C>T has not been reported in the literature in individuals affected with Breast or Ovarian Cancer outside of references to the BIC database (e.g. Woods_2016). These reports do not provide unequivocal conclusions about association of the variant with Hereditary Breast And Ovarian Cancer Syndrome. At least one publication reports experimental evidence evaluating an impact on protein function. These results showed no damaging effect of this variant on transcriptional activity (Woods_2016, Fernandes_2019). Five clinical diagnostic laboratories have submitted clinical-significance assessments for this variant to ClinVar after 2014 without evidence for independent evaluation. Three laboratories classified the variant as uncertain significance and two as likely benign. Based on the evidence outlined above, the variant was classified as VUS-possibly benign.

Ambry Genetics
Classification: Likely benign for Hereditary cancer-predisposing syndrome. Last evaluated: 2018-06-13. Review status: criteria provided, single submitter. Criteria: Ambry Variant Classification Scheme 2023. Collection method: clinical testing. Allele origin: germline.

GeneDx
Classification: Uncertain significance. Last evaluated: 2016-02-01. Review status: criteria provided, single submitter. Criteria: GeneDx Variant Classification (06012015). Collection method: clinical testing. Allele origin: germline. Affected: yes.
Comment: This variant is denoted BRCA1 c.4643C>T at the cDNA level, p.Thr1548Met (T1548M) at the protein level, and results in the change of a Threonine to a Methionine (ACG>ATG). Using alternate nomenclature this variant would be defined as BRCA1 4762C>T. BRCA1 Thr1548Met has not, to our knowledge, been published in the literature as pathogenic or benign. This variant was not observed in approximately 6,500 individuals of European and African American ancestry in the NHLBI Exome Sequencing Project, indicating it is not a common benign variant in these populations. Since Threonine and Methionine differ in polarity, charge, size or other properties, this is considered a non-conservative amino acid substitution. BRCA1 Thr1548Met occurs at a position that is not conserved and is located in a region of interaction with multiple proteins (Cantor 2001, Yarden 1999). In silico analyses predict that this variant is unlikely to alter protein structure or function. Based on the currently available information, we consider BRCA1 Thr1548Met to be a variant of uncertain significance.

Counsyl
Classification: Uncertain significance for Breast-ovarian cancer, familial, susceptibility to, 1. Last evaluated: 2016-02-19. Review status: no assertion criteria provided. Collection method: clinical testing. Allele origin: unknown. Not counted in ClinVar's aggregate classification.

Breast Cancer Information Core (BIC) (BRCA1)
Classification: Uncertain significance for Breast-ovarian cancer, familial 1. Last evaluated: 2010-09-18. Review status: no assertion criteria provided. Collection method: clinical testing. Allele origin: germline. Affected: yes. Observed: 1 variant allele. Not counted in ClinVar's aggregate classification.

Literature cited by the submitters: PubMed 28781887 (cited by Labcorp Genetics (formerly Invitae), Labcorp and Women's Health and Genetics/Laboratory Corporation of America, LabCorp); PubMed 30765603 (cited by Labcorp Genetics (formerly Invitae), Labcorp and Women's Health and Genetics/Laboratory Corporation of America, LabCorp); PubMed 28222693 (cited by Women's Health and Genetics/Laboratory Corporation of America, LabCorp).

NM_007294.4(BRCA1):c.4643C>T (p.Thr1548Met)

Gene: BRCA1 (BRCA1 DNA repair associated; minus strand). Cytogenetic location: 17q21.31.
Variant type: single nucleotide variant.
Coding change: c.4643C>T on transcript NM_007294.4 (MANE Select); coding-DNA position 4643, C replaced by T.
Protein change: p.Thr1548Met; replaces threonine 1548 with methionine.
Molecular consequence: missense variant. On other transcripts: non-coding transcript variant (1).
Genome position (GRCh38, 1-based): chr17:43,074,363, G>A on the plus strand (C>T on the coding strand, the complement: BRCA1 is on the minus strand). VCF-style: chr17-43074363-G-A. GRCh37 (hg19) VCF-style: chr17-41226380-G-A.
Other names: c.4643C>T, p.Thr1548Met (NM_001407684.1, NM_001407854.1, NM_001407597.1 and 8 more transcripts); c.4514C>T, p.Thr1505Met (NM_001407685.1, NM_001407686.1, NM_001407687.1 and 6 more transcripts); c.4511C>T, p.Thr1504Met (NM_001407690.1, NM_001407691.1); c.4502C>T, p.Thr1501Met (NM_001407692.1, NM_001407694.1, NM_001407729.1 and 13 more transcripts); c.4499C>T, p.Thr1500Met (NM_001407732.1, NM_001407733.1, NM_001407734.1 and 21 more transcripts); c.4496C>T, p.Thr1499Met (NM_001407838.1, NM_001407839.1, NM_001407841.1 and 12 more transcripts); c.4430C>T, p.Thr1477Met (NM_001407895.1, NM_001407896.1, NM_001407897.1 and 12 more transcripts); c.4640C>T, p.Thr1547Met (NM_001407858.1, NM_001407859.1, NM_001407860.1 and 17 more transcripts); and 69 more; short protein forms T1548M, T1501M, T444M, T1569M, T1544M, T1547M, T317M, T336M.
Identifiers: ClinVar variation 55249 (VCV000055249.24), dbSNP rs273900737, ClinGen allele CA002942.